The following is an entry in ClinVar:

ClinVar aggregate classification (germline): Conflicting classifications of pathogenicity. Review status: criteria provided, conflicting classifications (1 of 4 stars). 5 submissions from 5 submitters: Uncertain significance (4); Benign (1). Last evaluated 2026-08-04.

Conditions:
COL11A1-related disorder. Also called: COL11A1-related disorders; COL11A1-related condition.
Childhood onset hearing loss.

Allele frequency attached by ClinVar (database versions not stated): ExAC 0.00002; gnomAD exomes 0.00002; TOPMed 0.00006; 1000 Genomes Project 30x 0.00016; 1000 Genomes Project 0.00020.
gnomAD v4.1: 75 of 1,612,846 alleles (0.0047%); highest among the groups gnomAD compares: Non-Finnish European, 0.0057%; no homozygotes.

Submissions (5):

PreventionGenetics, part of Exact Sciences
Classification: Uncertain significance for COL11A1-related condition. Last evaluated: 2026-08-04. Review status: criteria provided, single submitter. Criteria: ACMG Guidelines, 2015. Collection method: clinical testing. Allele origin: germline.
Comment: The COL11A1 c.1031C>T variant is predicted to result in the amino acid substitution p.Thr344Met. This variant was reported in an individual with hearing loss (Table 1, Adeyemo et al. 2022. PubMed ID: 34837038). This variant is reported in 0.0062% of alleles in individuals of African descent in gnomAD. At this time, the clinical significance of this variant is uncertain due to the absence of conclusive functional and genetic evidence.

Labcorp Genetics (formerly Invitae), Labcorp
Classification: Benign. Last evaluated: 2024-10-06. Review status: criteria provided, single submitter. Criteria: Invitae Variant Classification Sherloc (09022015). Collection method: clinical testing. Allele origin: germline.

GeneDx
Classification: Uncertain significance. Last evaluated: 2022-09-01. Review status: criteria provided, single submitter. Criteria: GeneDx Variant Classification Process June 2021. Collection method: clinical testing. Allele origin: germline. Affected: yes.
Comment: Identified in one individual with hearing loss in published literature (Adeyemo et al., 2022); Not observed at significant frequency in large population cohorts (gnomAD); In silico analysis supports that this missense variant has a deleterious effect on protein structure/function; This variant is associated with the following publications: (PMID: 34837038)

National Institute on Deafness and Communication Disorders, National Institutes of Health
Classification: Uncertain significance for Childhood onset hearing loss. Last evaluated: 2021-07-08. Review status: criteria provided, single submitter. Criteria: ClinGen HL ACMG Specifications v1. Collection method: research. Allele origin: germline. Inheritance: Autosomal dominant inheritance. Affected: yes. Observed: 1 heterozygote. Segregation with disease not observed.
Comment: PM1, PP3 (non REVEL) / Modifications from PMID: 30311386 for classification: The genetic causes of hearing loss have not yet been well characterized in the Yoruba population, and the information regarding variant MAF in this population is still limited, so we did not exclude any variant based on their "high" MAF. PP3 criteria was applied even if the REVEL score was below 0.7, if at least two of the pathogenicity prediction algorithms used predicted that the variant was damaging or likely damaging.

Blueprint Genetics
Classification: Uncertain significance. Last evaluated: 2021-03-02. Review status: criteria provided, single submitter. Criteria: ACMG Guidelines, 2015. Collection method: clinical testing. Allele origin: germline.

NM_001854.4(COL11A1):c.1031C>T (p.Thr344Met)

Gene: COL11A1 (collagen type XI alpha 1 chain; minus strand). Cytogenetic location: 1p21.1.
Variant type: single nucleotide variant.
Coding change: c.1031C>T on transcript NM_001854.4 (MANE Select); coding-DNA position 1031, C replaced by T.
Protein change: p.Thr344Met; replaces threonine 344 with methionine.
Molecular consequence: missense variant. On other transcripts: non-coding transcript variant (1), intron variant (1).
Genome position (GRCh38, 1-based): chr1:103,022,956, G>A on the plus strand (C>T on the coding strand, the complement: COL11A1 is on the minus strand). VCF-style: chr1-103022956-G-A. GRCh37 (hg19) VCF-style: chr1-103488512-G-A.
Other names: c.914C>T, p.Thr305Met (NM_001190709.2); c.1067C>T, p.Thr356Met (NM_080629.3); c.898-1187C>T (NM_080630.4); short protein forms T305M, T344M, T356M.
Identifiers: ClinVar variation 1027556 (VCV001027556.14), dbSNP rs544289862, ClinGen allele CA975131.